The following is an entry in ClinVar:

ClinVar aggregate classification (germline): Conflicting classifications of pathogenicity. Review status: criteria provided, conflicting classifications (1 of 4 stars). 3 submissions from 3 submitters: Uncertain significance (2); Likely benign (1). Last evaluated 2025-04-09.

Conditions:
Autosomal recessive limb-girdle muscular dystrophy type 2J (LGMDR10). Also called: Limb-girdle muscular dystrophy, type 2J; MUSCULAR DYSTROPHY, LIMB-GIRDLE, AUTOSOMAL RECESSIVE 10. Identifiers: Orphanet 140922, MedGen C1837342, MONDO:0012127, OMIM 608807.
Dilated cardiomyopathy 1G (CMD1G). Identifiers: Orphanet 154, MedGen C1858763, MONDO:0011400, OMIM 604145.

Allele frequency attached by ClinVar (database versions not stated): gnomAD exomes below 0.00001.
gnomAD v4.1: 1 of 1,613,810 alleles (0.000062%); highest among the groups gnomAD compares: Non-Finnish European, 0.000085%; no homozygotes.

Submissions (3):

Molecular Diagnostic Laboratory for Inherited Cardiovascular Disease, Montreal Heart Institute
Classification: Likely benign. Last evaluated: 2025-04-09. Review status: criteria provided, single submitter. Criteria: ACMG Guidelines, 2015. Collection method: clinical testing. Allele origin: germline. Affected: no.

Labcorp Genetics (formerly Invitae), Labcorp
Classification: Uncertain significance for Dilated cardiomyopathy 1G; Autosomal recessive limb-girdle muscular dystrophy type 2J. Last evaluated: 2023-09-15. Review status: criteria provided, single submitter. Criteria: Invitae Variant Classification Sherloc (09022015). Collection method: clinical testing. Allele origin: germline.
Comment: Experimental studies and prediction algorithms are not available or were not evaluated, and the functional significance of this variant is currently unknown. In summary, the available evidence is currently insufficient to determine the role of this variant in disease. Therefore, it has been classified as a Variant of Uncertain Significance. This variant is located in the M band of TTN (PMID: 25589632). Variants in this region may be relevant for neuromuscular disorders, but have not been definitively shown to cause cardiomyopathy (PMID: 23975875). ClinVar contains an entry for this variant (Variation ID: 2051706). This variant has not been reported in the literature in individuals affected with TTN-related conditions. This variant is not present in population databases (gnomAD no frequency). This sequence change replaces glutamine, which is neutral and polar, with arginine, which is basic and polar, at codon 35819 of the TTN protein (p.Gln35819Arg).

Athena Diagnostics
Classification: Uncertain significance. Last evaluated: 2023-05-05. Review status: criteria provided, single submitter. Criteria: Athena Diagnostics Criteria. Collection method: clinical testing. Allele origin: unknown.
Comment: Available data are insufficient to determine the clinical significance of the variant at this time. This variant has not been reported in large, multi-ethnic general populations. Computational tools predict that this variant is not damaging.

Literature cited by the submitters: PubMed 25589632 (cited by Labcorp Genetics (formerly Invitae), Labcorp); PubMed 23975875 (cited by Labcorp Genetics (formerly Invitae), Labcorp).

NM_001267550.2(TTN):c.107456A>G (p.Gln35819Arg)

Genes: TTN (titin; minus strand), TTN-AS1 (TTN antisense RNA 1; plus strand). Cytogenetic location: 2q31.2.
Variant type: single nucleotide variant.
Coding change: c.107456A>G on transcript NM_001267550.2 (MANE Select); coding-DNA position 107456, A replaced by G.
Protein change: p.Gln35819Arg; replaces glutamine 35819 with arginine.
Molecular consequence: missense variant.
Genome position (GRCh38, 1-based): chr2:178,527,670, T>C on the plus strand (A>G on the coding strand, the complement: TTN is on the minus strand). VCF-style: chr2-178527670-T-C. GRCh37 (hg19) VCF-style: chr2-179392397-T-C.
Other names: c.102533A>G, p.Gln34178Arg (NM_001256850.1); c.80261A>G, p.Gln26754Arg (NM_003319.4); c.99752A>G, p.Gln33251Arg (NM_133378.4); c.80636A>G, p.Gln26879Arg (NM_133432.3); c.80837A>G, p.Gln26946Arg (NM_133437.4); short protein forms Q34178R, Q26754R, Q33251R, Q35819R, Q26879R, Q26946R.
Identifiers: ClinVar variation 2051706 (VCV002051706.6), dbSNP rs1457427060, ClinGen allele CA349400878.